The following is an entry in ClinVar:

ClinVar aggregate classification (germline): Uncertain significance. Review status: criteria provided, multiple submitters, no conflicts (2 of 4 stars). 3 submissions from 3 submitters: Uncertain significance (3). Last evaluated 2024-02-14.

Conditions:
Hereditary cancer-predisposing syndrome. Also called: Hereditary neoplastic syndrome; Tumor predisposition; Neoplastic Syndromes, Hereditary; Hereditary Cancer Syndrome. Identifiers: Orphanet 140162, MedGen C0027672, MeSH D009386, MONDO:0015356.
BAP1-related tumor predisposition syndrome (TPDS1). Also called: Tumor susceptibility linked to germline BAP1 mutations; COMMON Syndrome; TUMOR PREDISPOSITION SYNDROME 1; BAP1 tumor predisposition syndrome. Identifiers: Orphanet 289539, MedGen C3280492, MONDO:0013692, OMIM 614327.

Submissions (3):

Ambry Genetics
Classification: Uncertain significance for Hereditary cancer-predisposing syndrome. Last evaluated: 2024-02-14. Review status: criteria provided, single submitter. Criteria: Ambry Variant Classification Scheme 2023. Collection method: clinical testing. Allele origin: germline.
Comment: The p.Y223C variant (also known as c.668A>G), located in coding exon 9 of the BAP1 gene, results from an A to G substitution at nucleotide position 668. The tyrosine at codon 223 is replaced by cysteine, an amino acid with highly dissimilar properties. This amino acid position is conserved. In addition, the in silico prediction for this alteration is inconclusive. Based on the available evidence, the clinical significance of this alteration remains unclear.

GeneDx
Classification: Uncertain significance. Last evaluated: 2023-06-21. Review status: criteria provided, single submitter. Criteria: GeneDx Variant Classification Process June 2021. Collection method: clinical testing. Allele origin: germline. Affected: yes.
Comment: Has not been previously published as pathogenic or benign to our knowledge; Not observed at significant frequency in large population cohorts (gnomAD); In silico analysis supports that this missense variant has a deleterious effect on protein structure/function

Labcorp Genetics (formerly Invitae), Labcorp
Classification: Uncertain significance for BAP1-related tumor predisposition syndrome. Last evaluated: 2019-10-08. Review status: criteria provided, single submitter. Criteria: Invitae Variant Classification Sherloc (09022015). Collection method: clinical testing. Allele origin: germline.
Comment: This sequence change replaces tyrosine with cysteine at codon 223 of the BAP1 protein (p.Tyr223Cys). The tyrosine residue is highly conserved and there is a large physicochemical difference between tyrosine and cysteine. This variant is not present in population databases (ExAC no frequency). This variant has not been reported in the literature in individuals with BAP1-related conditions. Algorithms developed to predict the effect of missense changes on protein structure and function are either unavailable or do not agree on the potential impact of this missense change (SIFT: "Deleterious"; PolyPhen-2: "Probably Damaging"; Align-GVGD: "Class C0"). In summary, the available evidence is currently insufficient to determine the role of this variant in disease. Therefore, it has been classified as a Variant of Uncertain Significance.

NM_004656.4(BAP1):c.668A>G (p.Tyr223Cys)

Gene: BAP1 (BRCA1 associated deubiquitinase 1; minus strand). Cytogenetic location: 3p21.1.
Variant type: single nucleotide variant.
Coding change: c.668A>G on transcript NM_004656.4 (MANE Select); coding-DNA position 668, A replaced by G.
Protein change: p.Tyr223Cys; replaces tyrosine 223 with cysteine.
Molecular consequence: missense variant.
Genome position (GRCh38, 1-based): chr3:52,406,368, T>C on the plus strand (A>G on the coding strand, the complement: BAP1 is on the minus strand). VCF-style: chr3-52406368-T-C. GRCh37 (hg19) VCF-style: chr3-52440384-T-C.
Other names: c.668A>G (NM_004656.2); short protein forms Y223C.
Identifiers: ClinVar variation 955438 (VCV000955438.9), dbSNP rs1705158272, ClinGen allele CA353107603.